The following is an entry in ClinVar:

ClinVar aggregate classification (germline): Pathogenic (1 of 4 stars; one submission).

Submission:

Labcorp Genetics (formerly Invitae), Labcorp
Classification: Pathogenic. Last evaluated: 2023-04-20. Review status: criteria provided, single submitter. Criteria: Invitae Variant Classification Sherloc (09022015). Collection method: clinical testing. Allele origin: germline.
Comment: For these reasons, this variant has been classified as Pathogenic. This variant has not been reported in the literature in individuals affected with MYO7A-related conditions. This variant is not present in population databases (gnomAD no frequency). This sequence change creates a premature translational stop signal (p.Gln1088Profs*45) in the MYO7A gene. It is expected to result in an absent or disrupted protein product. Loss-of-function variants in MYO7A are known to be pathogenic (PMID: 8900236, 25404053).

Literature cited by the submitters: PubMed 8900236; PubMed 25404053.

NM_000260.4(MYO7A):c.3262dup (p.Gln1088fs)

Gene: MYO7A (myosin VIIA; plus strand). Cytogenetic location: 11q13.5.
Variant type: Duplication.
Coding change: c.3262dup on transcript NM_000260.4 (MANE Select); coding-DNA position 3262, one base duplicated (C; older notation c.3262dupC).
Protein change: p.Gln1088fs; shifts the reading frame from glutamine 1088.
Molecular consequence: frameshift variant.
Genome position (GRCh38, 1-based): chr11:77,182,577, C duplicated. VCF-style (leftmost placement, unchanged base first): chr11-77182576-G-GC. GRCh37 (hg19) VCF-style: chr11-76893621-G-GC.
Other names: c.3262dup, p.Gln1088fs (NM_001127180.2); c.3229dup, p.Gln1077fs (NM_001369365.1); short protein forms Q1077fs, Q1088fs.
Identifiers: ClinVar variation 2858030 (VCV002858030.3), dbSNP rs2497235562, ClinGen allele CA2739270724.
Genomic context (GRCh38, chr11:77,182,576, plus strand): 5'-GATCCCTGTGATGACCAAGATTTATGAGACCCTGGGCAAGAAGACGTACAAGAGGGAGCT[G>GC]CAGGCCCTGCAGGGCGAGGGCGAGGTGAGGCCAAGGTGCCCTCTGGATGATGTCCCTCCC-3'